The following is an entry in ClinVar:

ClinVar aggregate classification (germline): Benign (1 of 4 stars; one submission).

Conditions:
Griscelli syndrome type 2 (GS2). Also called: GRISCELLI SYNDROME WITH HEMOPHAGOCYTIC SYNDROME; PAID SYNDROME; PARTIAL ALBINISM AND IMMUNODEFICIENCY SYNDROME. Identifiers: Orphanet 381, Orphanet 79477, MedGen C1868679, MONDO:0011872, OMIM 607624.

Allele frequency attached by ClinVar (database versions not stated): 1000 Genomes Project 0.01118; gnomAD 0.01147; TOPMed 0.01169; 1000 Genomes Project 30x 0.01202.

Submission:

Illumina Laboratory Services, Illumina
Classification: Benign for Griscelli syndrome type 2. Last evaluated: 2018-01-13. Review status: criteria provided, single submitter. Criteria: ICSL Variant Classification Criteria 13 December 2019. Collection method: clinical testing. Allele origin: germline.
Comment: This variant was observed in the ICSL laboratory as part of a predisposition screen in an ostensibly healthy population. It had not been previously curated by ICSL or reported in the Human Gene Mutation Database (HGMD: prior to June 1st, 2018), and was therefore a candidate for classification through an automated scoring system. Utilizing variant allele frequency, disease prevalence and penetrance estimates, and inheritance mode, an automated score was calculated to assess if this variant is too frequent to cause the disease. Based on the score and internal cut-off values, a variant classified as benign is not then subjected to further curation. The score for this variant resulted in a classification of benign for this disease.

NM_183235.3(RAB27A):c.*2349A>G

Gene: RAB27A (RAB27A, member RAS oncogene family; minus strand). Cytogenetic location: 15q21.3.
Variant type: single nucleotide variant.
Coding change: c.*2349A>G on transcript NM_183235.3 (MANE Select); 2349 bases downstream of the stop codon, A replaced by G.
Molecular consequence: 3 prime UTR variant.
Genome position (GRCh38, 1-based): chr15:55,203,158, T>C on the plus strand (A>G on the coding strand, the complement: RAB27A is on the minus strand). VCF-style: chr15-55203158-T-C. GRCh37 (hg19) VCF-style: chr15-55495356-T-C.
Other names: c.*2349A>G (NM_004580.5, NM_183234.3, NM_183236.3).
Identifiers: ClinVar variation 316607 (VCV000316607.5), dbSNP rs76970799, ClinGen allele CA10636284.